The following is an entry in ClinVar:

ClinVar aggregate classification (germline): Uncertain significance (1 of 4 stars; one submission).

Conditions:
Atrial standstill 1 (ATRST1). Also called: ATRIAL CARDIOMYOPATHY WITH HEART BLOCK; CARDIOMYOPATHY, FAMILIAL, WITH CONDUCTION DISTURBANCE; Atrial standstill, digenic (GJA5/SCN5A). Identifiers: Orphanet 1344, MedGen C4551959, MONDO:0007171, OMIM 108770.
Atrial fibrillation, familial, 11 (ATFB11). Identifiers: MedGen C3279693, MONDO:0013544, OMIM 614049.

Submission:

Labcorp Genetics (formerly Invitae), Labcorp
Classification: Uncertain significance for Atrial fibrillation, familial, 11; Atrial standstill 1. Last evaluated: 2024-05-15. Review status: criteria provided, single submitter. Criteria: Invitae Variant Classification Sherloc (09022015). Collection method: clinical testing. Allele origin: germline.
Comment: This sequence change results in a frameshift in the GJA5 gene (p.Asp266Thrfs*118). While this is not anticipated to result in nonsense mediated decay, it is expected to disrupt the last 93 amino acid(s) of the GJA5 protein and extend the protein by 24 additional amino acid residues. This variant is not present in population databases (gnomAD no frequency). This variant has not been reported in the literature in individuals affected with GJA5-related conditions. Experimental studies and prediction algorithms are not available or were not evaluated, and the functional significance of this variant is currently unknown. In summary, the available evidence is currently insufficient to determine the role of this variant in disease. Therefore, it has been classified as a Variant of Uncertain Significance.

NM_181703.4(GJA5):c.795del (p.Asp266fs)

Genes: GJA5 (gap junction protein alpha 5; minus strand), LOC122128420 (Sharpr-MPRA regulatory region 3144; plus strand). Cytogenetic location: 1q21.2.
Variant type: Deletion.
Coding change: c.795del on transcript NM_181703.4 (MANE Select); coding-DNA position 795, one base deleted (C; older notation c.795delC).
Protein change: p.Asp266fs; shifts the reading frame from aspartic acid 266.
Molecular consequence: frameshift variant.
Genome position (GRCh38, 1-based): chr1:147,758,444, G deleted on the plus strand (C on the coding strand, the reverse complement: GJA5 is on the minus strand); the first of 6 consecutive G bases (chr1:147,758,444-147,758,449); deleting any one gives the same sequence. VCF-style (leftmost placement, unchanged base first): chr1-147758443-CG-C. GRCh37 (hg19) VCF-style: chr1-147230551-CG-C.
Other names: c.795del, p.Asp266fs (NM_005266.7); short protein forms D266fs.
Identifiers: ClinVar variation 3756365 (VCV003756365.2).